The following is an entry in ClinVar:

NM_001330078.2(NRXN1):c.2037G>A (p.Pro679=)

Gene: NRXN1 (neurexin 1; minus strand). Cytogenetic location: 2p16.3.
Variant type: single nucleotide variant.
Coding change: c.2037G>A on transcript NM_001330078.2 (MANE Select); coding-DNA position 2037, G replaced by A.
Protein change: p.Pro679=; no amino-acid change (proline 679 retained).
Molecular consequence: synonymous variant.
Genome position (GRCh38, 1-based): chr2:50,538,359, C>T on the plus strand (G>A on the coding strand, the complement: NRXN1 is on the minus strand). VCF-style: chr2-50538359-C-T. GRCh37 (hg19) VCF-style: chr2-50765497-C-T.
Other names: p.P719P:CCG>CCA; c.2157G>A, p.Pro719= (NM_001135659.3); c.2013G>A, p.Pro671= (NM_001330077.2, NM_001330082.2, NM_001330095.2); c.1998G>A, p.Pro666= (NM_001330083.2, NM_001330084.2); c.2037G>A, p.Pro679= (NM_001330085.2, NM_001330086.2, NM_004801.6); c.1953G>A, p.Pro651= (NM_001330087.2, NM_001330096.2); c.1983G>A, p.Pro661= (NM_001330088.2); c.2034G>A, p.Pro678= (NM_001330093.2); and 2 more.
Identifiers: ClinVar variation 206202 (VCV000206202.18), dbSNP rs199714221, ClinGen allele CA316056.

ClinVar aggregate classification (germline): Conflicting classifications of pathogenicity. Review status: criteria provided, conflicting classifications (1 of 4 stars). 5 submissions from 5 submitters: Uncertain significance (1); Benign (1); Likely benign (2). 1 of the submissions does not count toward it. Last evaluated 2026-02-01.

Conditions:
Inborn genetic diseases. Identifiers: MedGen C0950123, MeSH D030342.
Pitt-Hopkins-like syndrome 2 (PTHSL2). Identifiers: Orphanet 221150, Orphanet 600663, MedGen C3280479, MONDO:0013690, OMIM 614325.
NRXN1-related disorder.

Allele frequency attached by ClinVar (database versions not stated): gnomAD 0.00007 and 0.00008; TOPMed 0.00011; ExAC 0.00015; gnomAD exomes 0.00018.
gnomAD v4.1: 76 of 1,613,872 alleles (0.0047%); highest among the groups gnomAD compares: Admixed American, 0.088%; no homozygotes.

Submissions (5):

Labcorp Genetics (formerly Invitae), Labcorp
Classification: Likely benign for Pitt-Hopkins-like syndrome 2. Last evaluated: 2026-02-01. Review status: criteria provided, single submitter. Criteria: Invitae Variant Classification Sherloc (09022015). Collection method: clinical testing. Allele origin: germline.

Ambry Genetics
Classification: Likely benign for Inborn genetic diseases. Last evaluated: 2019-09-22. Review status: criteria provided, single submitter. Criteria: Ambry Variant Classification Scheme 2023. Collection method: clinical testing. Allele origin: germline.

Eurofins Ntd Llc (ga)
Classification: Uncertain significance. Last evaluated: 2016-11-22. Review status: criteria provided, single submitter. Criteria: EGL Classification Definitions 2015. Collection method: clinical testing. Allele origin: germline. Observed: 1 variant allele, 1 heterozygote.

GeneDx
Classification: Benign. Last evaluated: 2014-12-16. Review status: criteria provided, single submitter. Criteria: GeneDx Variant Classification (06012015). Collection method: clinical testing. Allele origin: germline. Affected: yes.
Comment: This variant is considered likely benign or benign based on one or more of the following criteria: it is a conservative change, it occurs at a poorly conserved position in the protein, it is predicted to be benign by multiple in silico algorithms, and/or has population frequency not consistent with disease.

PreventionGenetics, part of Exact Sciences
Classification: Likely benign for NRXN1-related condition. Last evaluated: 2024-09-29. Review status: no assertion criteria provided. Collection method: clinical testing. Allele origin: germline. Not counted in ClinVar's aggregate classification.
Comment: This variant is classified as likely benign based on ACMG/AMP sequence variant interpretation guidelines (Richards et al. 2015 PMID: 25741868, with internal and published modifications).